The following is an entry in ClinVar:

NM_003265.3(TLR3):c.2680C>A (p.Gln894Lys)

Gene: TLR3 (toll like receptor 3; plus strand). Cytogenetic location: 4q35.1.
Variant type: single nucleotide variant.
Coding change: c.2680C>A on transcript NM_003265.3 (MANE Select); coding-DNA position 2680, C replaced by A.
Protein change: p.Gln894Lys; replaces glutamine 894 with lysine.
Molecular consequence: missense variant.
Genome position (GRCh38, 1-based): chr4:186,084,838, C>A. VCF-style: chr4-186084838-C-A. GRCh37 (hg19) VCF-style: chr4-187005992-C-A.
Other names: short protein forms Q894K.
Identifiers: ClinVar variation 954596 (VCV000954596.1), dbSNP rs2099304112, ClinGen allele CA358938295.

ClinVar aggregate classification (germline): Uncertain significance (1 of 4 stars; one submission).

Conditions:
Encephalopathy, acute, infection-induced (herpes-specific), susceptibility to, 1. Also called: Herpes simplex encephalitis, susceptibility to, 1. Identifiers: Orphanet 1930, MedGen C2750180, MONDO:0024563, OMIM 610551.

Allele frequency attached by ClinVar (database versions not stated): gnomAD exomes below 0.00001.

Submission:

Labcorp Genetics (formerly Invitae), Labcorp
Classification: Uncertain significance for Herpes simplex encephalitis 1. Last evaluated: 2019-11-15. Review status: criteria provided, single submitter. Criteria: Invitae Variant Classification Sherloc (09022015). Collection method: clinical testing. Allele origin: germline.
Comment: This sequence change replaces glutamine with lysine at codon 894 of the TLR3 protein (p.Gln894Lys). The glutamine residue is weakly conserved and there is a small physicochemical difference between glutamine and lysine. This variant is not present in population databases (ExAC no frequency). This variant has not been reported in the literature in individuals with TLR3-related conditions. Algorithms developed to predict the effect of missense changes on protein structure and function output the following: SIFT: "Tolerated"; PolyPhen-2: "Benign"; Align-GVGD: "Class C0". The lysine amino acid residue is found in multiple mammalian species, suggesting that this missense change does not adversely affect protein function. These predictions have not been confirmed by published functional studies and their clinical significance is uncertain. In summary, the available evidence is currently insufficient to determine the role of this variant in disease. Therefore, it has been classified as a Variant of Uncertain Significance.